The following is an entry in ClinVar:

ClinVar aggregate classification (germline): Likely benign. Review status: criteria provided, multiple submitters, no conflicts (2 of 4 stars). 2 submissions from 2 submitters: Likely benign (2). Last evaluated 2024-05-31.

Allele frequency attached by ClinVar (database versions not stated): ExAC 0.00008; gnomAD 0.00009.
gnomAD v4.1: 207 of 1,613,842 alleles (0.013%); highest among the groups gnomAD compares: Middle Eastern, 0.2%; 1 homozygote.

Submissions (2):

Blueprint Genetics
Classification: Likely benign. Last evaluated: 2024-05-31. Review status: criteria provided, single submitter. Criteria: ACMG Guidelines, 2015. Collection method: clinical testing. Allele origin: germline.

CeGaT Center for Human Genetics Tuebingen
Classification: Likely benign. Last evaluated: 2022-10-01. Review status: criteria provided, single submitter. Criteria: CeGaT Center For Human Genetics Tuebingen Variant Classification Criteria Version 2. Collection method: clinical testing. Allele origin: germline. Affected: yes. Observed: 1 variant allele.
Comment: ITPR3: BP4, BP7

NM_002224.4(ITPR3):c.534C>T (p.Val178=)

Gene: ITPR3 (inositol 1,4,5-trisphosphate receptor type 3; plus strand). Cytogenetic location: 6p21.31.
Variant type: single nucleotide variant.
Coding change: c.534C>T on transcript NM_002224.4 (MANE Select); coding-DNA position 534, C replaced by T.
Protein change: p.Val178=; no amino-acid change (valine 178 retained).
Molecular consequence: synonymous variant.
Genome position (GRCh38, 1-based): chr6:33,659,026, C>T. VCF-style: chr6-33659026-C-T. GRCh37 (hg19) VCF-style: chr6-33626803-C-T.
Identifiers: ClinVar variation 2656493 (VCV002656493.25), dbSNP rs375290619, ClinGen allele CA3759958.